The following is an entry in ClinVar:

NM_000392.5(ABCC2):c.1836G>A (p.Arg612=)

Gene: ABCC2 (ATP binding cassette subfamily C member 2; plus strand). Cytogenetic location: 10q24.2.
Variant type: single nucleotide variant.
Coding change: c.1836G>A on transcript NM_000392.5 (MANE Select); coding-DNA position 1836, G replaced by A.
Protein change: p.Arg612=; no amino-acid change (arginine 612 retained).
Molecular consequence: synonymous variant.
Genome position (GRCh38, 1-based): chr10:99,810,154, G>A. VCF-style: chr10-99810154-G-A. GRCh37 (hg19) VCF-style: chr10-101569911-G-A.
Identifiers: ClinVar variation 5001024 (VCV005001024.1).

ClinVar aggregate classification (germline): Likely benign (1 of 4 stars; one submission).

Conditions:
ABCC2-related disorder. Also called: ABCC2-related condition.

Submission:

PreventionGenetics, part of Exact Sciences
Classification: Likely benign for ABCC2-related condition. Last evaluated: 2025-08-05. Review status: criteria provided, single submitter. Criteria: ACMG Guidelines, 2015. Collection method: clinical testing. Allele origin: germline.
Comment: This variant is classified as likely benign based on ACMG/AMP sequence variant interpretation guidelines (Richards et al. 2015 PMID: 25741868, with internal and published modifications).